The following is an entry in ClinVar:

NM_001134363.3(RBM20):c.550A>G (p.Met184Val)

Gene: RBM20 (RNA binding motif protein 20; plus strand). Cytogenetic location: 10q25.2.
Variant type: single nucleotide variant.
Coding change: c.550A>G on transcript NM_001134363.3 (MANE Select); coding-DNA position 550, A replaced by G.
Protein change: p.Met184Val; replaces methionine 184 with valine.
Molecular consequence: missense variant.
Genome position (GRCh38, 1-based): chr10:110,781,159, A>G. VCF-style: chr10-110781159-A-G. GRCh37 (hg19) VCF-style: chr10-112540917-A-G.
Other names: short protein forms M184V.
Identifiers: ClinVar variation 3604964 (VCV003604964.2).
Genomic context (GRCh38, chr10:110,781,159, plus strand): 5'-TTTCCCTCTAATGCAATTGCCTTTTCACCCCCCAGCCAGACACGAGGCCCCGGACCCTCC[A>G]TGAACCTTCCCAACCAGCCACCCAGTGCCATGGTGATGCATCCTTTCACTGGGGTAATGC-3'
Protein context (NP_001127835.2, residues 174-194): PSQTRGPGPS[Met184Val]NLPNQPPSAM

ClinVar aggregate classification (germline): Uncertain significance (1 of 4 stars; one submission).

Conditions:
Dilated cardiomyopathy 1DD (CMD1DD). Identifiers: Orphanet 154, MedGen C2750995, MONDO:0013168, OMIM 613172.

Submission:

Labcorp Genetics (formerly Invitae), Labcorp
Classification: Uncertain significance for Dilated cardiomyopathy 1DD. Last evaluated: 2024-11-08. Review status: criteria provided, single submitter. Criteria: Invitae Variant Classification Sherloc (09022015). Collection method: clinical testing. Allele origin: germline.
Comment: This sequence change replaces methionine, which is neutral and non-polar, with valine, which is neutral and non-polar, at codon 184 of the RBM20 protein (p.Met184Val). This variant is not present in population databases (gnomAD no frequency). This variant has not been reported in the literature in individuals affected with RBM20-related conditions. Invitae Evidence Modeling of protein sequence and biophysical properties (such as structural, functional, and spatial information, amino acid conservation, physicochemical variation, residue mobility, and thermodynamic stability) indicates that this missense variant is not expected to disrupt RBM20 protein function with a negative predictive value of 95%. In summary, the available evidence is currently insufficient to determine the role of this variant in disease. Therefore, it has been classified as a Variant of Uncertain Significance.